The following is an entry in ClinVar:

NM_000271.5(NPC1):c.2108T>C (p.Phe703Ser)

Gene: NPC1 (NPC intracellular cholesterol transporter 1; minus strand). Cytogenetic location: 18q11.2.
Variant type: single nucleotide variant.
Coding change: c.2108T>C on transcript NM_000271.5 (MANE Select); coding-DNA position 2108, T replaced by C.
Protein change: p.Phe703Ser; replaces phenylalanine 703 with serine.
Molecular consequence: missense variant.
Genome position (GRCh38, 1-based): chr18:23,544,366, A>G on the plus strand (T>C on the coding strand, the complement: NPC1 is on the minus strand). VCF-style: chr18-23544366-A-G. GRCh37 (hg19) VCF-style: chr18-21124330-A-G.
Other names: short protein forms F703S.
Identifiers: ClinVar variation 1328533 (VCV001328533.9), dbSNP rs2058753693, ClinGen allele CA401771291.

ClinVar aggregate classification (germline): Likely pathogenic. Review status: criteria provided, multiple submitters, no conflicts (2 of 4 stars). 2 submissions from 2 submitters: Likely pathogenic (2). Last evaluated 2022-10-18.

Conditions:
Niemann-Pick disease, type C1. Also called: NEUROVISCERAL STORAGE DISEASE WITH VERTICAL SUPRANUCLEAR OPHTHALMOPLEGIA; NIEMANN-PICK DISEASE WITH CHOLESTEROL ESTERIFICATION BLOCK; NIEMANN-PICK DISEASE WITHOUT SPHINGOMYELINASE DEFICIENCY; NIEMANN-PICK DISEASE, CHRONIC NEURONOPATHIC FORM; NIEMANN-PICK DISEASE, VARIANT TYPE C1. Identifiers: Orphanet 646, MedGen C3179455, MONDO:0009757, OMIM 257220.

Submissions (2):

Labcorp Genetics (formerly Invitae), Labcorp
Classification: Likely pathogenic for Niemann-Pick disease, type C1. Last evaluated: 2022-10-18. Review status: criteria provided, single submitter. Criteria: Invitae Variant Classification Sherloc (09022015). Collection method: clinical testing. Allele origin: germline.
Comment: ClinVar contains an entry for this variant (Variation ID: 1328533). This missense change has been observed in individual(s) with Niemann-Pick disease type C (PMID: 28387450). This variant is not present in population databases (gnomAD no frequency). This sequence change replaces phenylalanine, which is neutral and non-polar, with serine, which is neutral and polar, at codon 703 of the NPC1 protein (p.Phe703Ser). Advanced modeling of protein sequence and biophysical properties (such as structural, functional, and spatial information, amino acid conservation, physicochemical variation, residue mobility, and thermodynamic stability) performed at Invitae indicates that this missense variant is expected to disrupt NPC1 protein function. In summary, the currently available evidence indicates that the variant is pathogenic, but additional data are needed to prove that conclusively. Therefore, this variant has been classified as Likely Pathogenic. This variant disrupts the p.Phe703 amino acid residue in NPC1. Other variant(s) that disrupt this residue have been observed in individuals with NPC1-related conditions (PMID: 32921771), which suggests that this may be a clinically significant amino acid residue. Studies have shown that this missense change alters NPC1 gene expression (PMID: 11182931).

Illumina Laboratory Services, Illumina
Classification: Likely pathogenic for Niemann-Pick disease, type C1. Last evaluated: 2021-06-25. Review status: criteria provided, single submitter. Criteria: ICSLVariantClassificationCriteria RUGD 01 April 2020. Collection method: clinical testing. Allele origin: unknown.
Comment: The p.Phe703Ser variant is not found in v2.1.1 or v3.1.1 of the Genome Aggregation Database in a region of good sequence coverage, so the variant is presumed to be rare. The Phe703 residue is located in transmembrane domain 5 which is part of the sterol sensing SSD domain, a region in which other disease-causing missense variants have been previously described (Scott et al. 2004; Landrum et al. 2018; Dubey et al. 2020). In silico prediction tools suggest that the p.Phe703Ser variant confers a damaging effect, however this has not been verified experimentally. Based on the collective evidence, the p.Phe703Ser variant is classified as likely pathogenic for Niemann-Pick disease, type C.

Literature cited by the submitters: PubMed 28387450 (cited by Labcorp Genetics (formerly Invitae), Labcorp and Illumina Laboratory Services, Illumina); PubMed 32921771 (cited by Labcorp Genetics (formerly Invitae), Labcorp); PubMed 11182931 (cited by Labcorp Genetics (formerly Invitae), Labcorp and Illumina Laboratory Services, Illumina); PubMed 15465421 (cited by Illumina Laboratory Services, Illumina); PubMed 29165669 (cited by Illumina Laboratory Services, Illumina); PubMed 33021976 (cited by Illumina Laboratory Services, Illumina).